The following is an entry in ClinVar:

ClinVar aggregate classification (germline): Uncertain significance (1 of 4 stars; one submission).

Allele frequency attached by ClinVar (database versions not stated): ExAC 0.00001; gnomAD exomes 0.00002; gnomAD 0.00019; TOPMed 0.00023.

Submission:

Labcorp Genetics (formerly Invitae), Labcorp
Classification: Uncertain significance. Last evaluated: 2022-05-12. Review status: criteria provided, single submitter. Criteria: Invitae Variant Classification Sherloc (09022015). Collection method: clinical testing. Allele origin: germline.
Comment: This sequence change replaces arginine, which is basic and polar, with histidine, which is basic and polar, at codon 455 of the ADAMTSL4 protein (p.Arg455His). This variant is present in population databases (rs750924531, gnomAD 0.03%). This variant has not been reported in the literature in individuals affected with ADAMTSL4-related conditions. Algorithms developed to predict the effect of missense changes on protein structure and function output the following: SIFT: "Deleterious"; PolyPhen-2: "Benign"; Align-GVGD: "Class C25". The histidine amino acid residue is found in multiple mammalian species, which suggests that this missense change does not adversely affect protein function. In summary, the available evidence is currently insufficient to determine the role of this variant in disease. Therefore, it has been classified as a Variant of Uncertain Significance.

NM_019032.6(ADAMTSL4):c.1364G>A (p.Arg455His)

Genes: ADAMTSL4 (ADAMTS like 4; plus strand), ADAMTSL4-AS2 (ADAMTSL4 antisense RNA 2; minus strand). Cytogenetic location: 1q21.2.
Variant type: single nucleotide variant.
Coding change: c.1364G>A on transcript NM_019032.6 (MANE Select); coding-DNA position 1364, G replaced by A.
Protein change: p.Arg455His; replaces arginine 455 with histidine.
Molecular consequence: missense variant.
Genome position (GRCh38, 1-based): chr1:150,555,558, G>A. VCF-style: chr1-150555558-G-A. GRCh37 (hg19) VCF-style: chr1-150528034-G-A.
Other names: c.1433G>A, p.Arg478His (NM_001288607.2, NM_001288608.2); c.1364G>A, p.Arg455His (NM_001378596.1, NM_025008.5); short protein forms R455H, R478H.
Identifiers: ClinVar variation 1920696 (VCV001920696.2), dbSNP rs750924531, ClinGen allele CA1078230.